The following is an entry in ClinVar:

NM_006397.3(RNASEH2A):c.74G>A (p.Arg25His)

Genes: RNASEH2A (ribonuclease H2 subunit A; plus strand), LOC117038795 (CRISPRi-FlowFISH-validated PRDX2 regulatory element 4; plus strand). Cytogenetic location: 19p13.13.
Variant type: single nucleotide variant.
Coding change: c.74G>A on transcript NM_006397.3 (MANE Select); coding-DNA position 74, G replaced by A.
Protein change: p.Arg25His; replaces arginine 25 with histidine.
Molecular consequence: missense variant.
Genome position (GRCh38, 1-based): chr19:12,806,747, G>A. VCF-style: chr19-12806747-G-A. GRCh37 (hg19) VCF-style: chr19-12917561-G-A.
Other names: short protein forms R25H.
Identifiers: ClinVar variation 1372769 (VCV001372769.3), dbSNP rs955631391, ClinGen allele CA404263331.

ClinVar aggregate classification (germline): Uncertain significance (1 of 4 stars; one submission).

Conditions:
Aicardi-Goutieres syndrome 4. Identifiers: Orphanet 51, MedGen C1835912, MONDO:0012472, OMIM 610333.

gnomAD v4.1: 1 of 1,572,376 alleles (0.000064%); highest among the groups gnomAD compares: Admixed American, 0.0019%; no homozygotes.

Submission:

Labcorp Genetics (formerly Invitae), Labcorp
Classification: Uncertain significance for Aicardi-Goutieres syndrome 4. Last evaluated: 2021-09-21. Review status: criteria provided, single submitter. Criteria: Invitae Variant Classification Sherloc (09022015). Collection method: clinical testing. Allele origin: germline.
Comment: This sequence change replaces arginine with histidine at codon 25 of the RNASEH2A protein (p.Arg25His). The arginine residue is weakly conserved and there is a small physicochemical difference between arginine and histidine. This variant is not present in population databases (ExAC no frequency). This variant has not been reported in the literature in individuals affected with RNASEH2A-related conditions. Algorithms developed to predict the effect of missense changes on protein structure and function output the following: SIFT: "Tolerated"; PolyPhen-2: "Benign"; Align-GVGD: "Class C0". The histidine amino acid residue is found in multiple mammalian species, which suggests that this missense change does not adversely affect protein function. In summary, the available evidence is currently insufficient to determine the role of this variant in disease. Therefore, it has been classified as a Variant of Uncertain Significance.